The following is an entry in ClinVar:

NM_000383.4(AIRE):c.748del (p.Ser250fs)

Gene: AIRE (autoimmune regulator; plus strand). Cytogenetic location: 21q22.3.
Variant type: Deletion.
Coding change: c.748del on transcript NM_000383.4 (MANE Select); coding-DNA position 748, one base deleted (A; older notation c.748delA).
Protein change: p.Ser250fs; shifts the reading frame from serine 250.
Molecular consequence: frameshift variant.
Genome position (GRCh38, 1-based): chr21:44,289,752, A deleted. VCF-style (leftmost placement, unchanged base first): chr21-44289751-CA-C. GRCh37 (hg19) VCF-style: chr21-45709634-CA-C.
Other names: short protein forms S250fs.
Identifiers: ClinVar variation 4818293 (VCV004818293.1).
Genomic context (GRCh38, chr21:44,289,751, plus strand): 5'-GTTCTACACTCCCAGCAAGTTCGAAGACTCCGGCAGTGGGAAGAACAAGGCCCGCAGCAG[CA>C]GTGGCCCGAAGCCTCTGGTTCGAGCCAAGGGAGCCCAGGGCGCTGCCCCCGTAAGCACCT-3'

ClinVar aggregate classification (germline): Likely pathogenic (1 of 4 stars; one submission).

Conditions:
Polyglandular autoimmune syndrome, type 1 (APS1). Also called: PGA I; Autoimmune polyendocrinopathy syndrome , type I, with or without reversible metaphyseal dysplasia; AUTOIMMUNE POLYENDOCRINE SYNDROME, TYPE I, WITH OR WITHOUT REVERSIBLE METAPHYSEAL DYSPLASIA; APS I; Whitaker syndrome; HYPOADRENOCORTICISM WITH HYPOPARATHYROIDISM AND SUPERFICIAL MONILIASIS. Identifiers: Orphanet 3453, MedGen C0085859, MONDO:0009411, OMIM 240300.

Submission:

Natera, Inc.
Classification: Likely pathogenic for Polyglandular autoimmune syndrome type 1. Last evaluated: 2024-10-21. Review status: criteria provided, single submitter. Criteria: Natera Variant Classification Schema (03/2026). Collection method: clinical testing. Allele origin: germline.
Comment: The c.748del variant in AIRE is a frameshift variant predicted to shift the reading frame beginning at codon 250 and leads to a stop codon 128 codons downstream. This variant is expected to result in nonsense mediated decay, truncation, or a dysfunctional protein product. This variant is rare in the general population with a frequency below the threshold expected for the associated phenotype(s). Given the available evidence, this variant is classified as Likely Pathogenic.